The following is an entry in ClinVar:

NM_001349798.2(FBXW7):c.501+29101T>G

Gene: FBXW7 (F-box and WD repeat domain containing 7; minus strand). Cytogenetic location: 4q31.3.
Variant type: single nucleotide variant.
Coding change: c.501+29101T>G on transcript NM_001349798.2 (MANE Select); 29101 bases into the intron after coding-DNA position 501, T replaced by G.
Molecular consequence: intron variant. On other transcripts: missense variant (1).
Genome position (GRCh38, 1-based): chr4:152,382,202, A>C on the plus strand (T>G on the coding strand, the complement: FBXW7 is on the minus strand). VCF-style: chr4-152382202-A-C. GRCh37 (hg19) VCF-style: chr4-153303354-A-C.
Other names: c.501+29101T>G (LRG_1141t1, NM_033632.3); c.134T>G, p.Phe45Cys (LRG_1141t3, NM_001013415.2); short protein forms F45C.
Identifiers: ClinVar variation 134379 (VCV000134379.1), dbSNP rs576143888, ClinGen allele CA159648.

ClinVar aggregate classification (germline): not provided (0 of 4 stars; one submission).

Allele frequency attached by ClinVar (database versions not stated): gnomAD 0.00001 and 0.00022; TOPMed 0.00005; gnomAD exomes 0.00024 and 0.00059; ExAC 0.00071; 1000 Genomes Project 0.00220; 1000 Genomes Project 30x 0.00234.
gnomAD v4.1: 372 of 1,550,294 alleles (0.024%); highest among the groups gnomAD compares: South Asian, 0.44%; 7 homozygotes.

Submission:

ITMI
No classification provided. Condition: AllHighlyPenetrant. Last evaluated: 2013-09-19. Review status: no classification provided. Collection method: reference population. Allele origin: germline.
Comment: Please see associated publication for description of ethnicities

Literature cited by the submitters: PubMed 24728327.